The following is an entry in ClinVar:

ClinVar aggregate classification (germline): Likely benign. Review status: criteria provided, single submitter (1 of 4 stars). 2 submissions from 2 submitters: Likely benign (1). 1 of the submissions does not count toward it. Last evaluated 2024-04-05.

Conditions:
DHX38-related disorder. Also called: DHX38-related condition.

Allele frequency attached by ClinVar (database versions not stated): gnomAD 0.00001; TOPMed 0.00001.
gnomAD v4.1: 12 of 1,613,960 alleles (0.00074%); highest among the groups gnomAD compares: South Asian, 0.0011%; no homozygotes.

Submissions (2):

Labcorp Genetics (formerly Invitae), Labcorp
Classification: Likely benign. Last evaluated: 2024-04-05. Review status: criteria provided, single submitter. Criteria: Invitae Variant Classification Sherloc (09022015). Collection method: clinical testing. Allele origin: germline.

PreventionGenetics, part of Exact Sciences
Classification: Likely benign for DHX38-related condition. Last evaluated: 2019-09-04. Review status: no assertion criteria provided. Collection method: clinical testing. Allele origin: germline. Not counted in ClinVar's aggregate classification.
Comment: This variant is classified as likely benign based on ACMG/AMP sequence variant interpretation guidelines (Richards et al. 2015 PMID: 25741868, with internal and published modifications).

NM_014003.4(DHX38):c.2040C>T (p.Leu680=)

Gene: DHX38 (DEAH-box helicase 38; plus strand). Cytogenetic location: 16q22.2.
Variant type: single nucleotide variant.
Coding change: c.2040C>T on transcript NM_014003.4 (MANE Select); coding-DNA position 2040, C replaced by T.
Protein change: p.Leu680=; no amino-acid change (leucine 680 retained).
Molecular consequence: synonymous variant.
Genome position (GRCh38, 1-based): chr16:72,104,515, C>T. VCF-style: chr16-72104515-C-T. GRCh37 (hg19) VCF-style: chr16-72138414-C-T.
Other names: c.2040C>T (NM_014003.3).
Identifiers: ClinVar variation 1113042 (VCV001113042.10), dbSNP rs747414238, ClinGen allele CA496310654.
Genomic context (GRCh38, chr16:72,104,515, plus strand): 5'-ATGGGGGCCTCCGAGCCGCCTCTTCTCTCAGGTAGTGGCTCGGCGCTCAGACCTGAAGCT[C>T]ATCGTCACATCAGCCACGATGGATGCGGAGAAGTTTGCTGCCTTTTTTGGGAATGTCCCC-3'
Protein context (NP_054722.2, residues 670-690): EVVARRSDLK[Leu680=]IVTSATMDAE